The following is an entry in ClinVar:

ClinVar aggregate classification (germline): Uncertain significance. Review status: criteria provided, multiple submitters, no conflicts (2 of 4 stars). 2 submissions from 2 submitters: Uncertain significance (2). Last evaluated 2025-06-26.

Allele frequency attached by ClinVar (database versions not stated): gnomAD 0.00008; TOPMed 0.00009; gnomAD exomes 0.00012; ExAC 0.00013; ESP Exome Variant Server 0.00017.
gnomAD v4.1: 180 of 1,610,760 alleles (0.011%); highest among the groups gnomAD compares: Middle Eastern, 0.033%; no homozygotes.

Submissions (2):

Ambry Genetics
Classification: Uncertain significance. Last evaluated: 2025-06-26. Review status: criteria provided, single submitter. Criteria: Ambry Variant Classification Scheme 2023. Collection method: clinical testing. Allele origin: germline.

Labcorp Genetics (formerly Invitae), Labcorp
Classification: Uncertain significance. Last evaluated: 2025-06-24. Review status: criteria provided, single submitter. Criteria: Invitae Variant Classification Sherloc (09022015). Collection method: clinical testing. Allele origin: germline.
Comment: This sequence change replaces alanine, which is neutral and non-polar, with valine, which is neutral and non-polar, at codon 468 of the LRRCC1 protein (p.Ala468Val). This variant is present in population databases (rs200106693, gnomAD 0.02%). This variant has not been reported in the literature in individuals affected with LRRCC1-related conditions. ClinVar contains an entry for this variant (Variation ID: 2342381). An algorithm developed to predict the effect of missense changes on protein structure and function (PolyPhen-2) suggests that this variant is likely to be disruptive. In summary, the available evidence is currently insufficient to determine the role of this variant in disease. Therefore, it has been classified as a Variant of Uncertain Significance.

NM_033402.5(LRRCC1):c.1403C>T (p.Ala468Val)

Gene: LRRCC1 (leucine rich repeat and coiled-coil centrosomal protein 1; plus strand). Cytogenetic location: 8q21.2.
Variant type: single nucleotide variant.
Coding change: c.1403C>T on transcript NM_033402.5 (MANE Select); coding-DNA position 1403, C replaced by T.
Protein change: p.Ala468Val; replaces alanine 468 with valine.
Molecular consequence: missense variant.
Genome position (GRCh38, 1-based): chr8:85,126,819, C>T. VCF-style: chr8-85126819-C-T. GRCh37 (hg19) VCF-style: chr8-86039054-C-T.
Other names: c.1124C>T, p.Ala375Val (NM_001349636.2); c.977C>T, p.Ala326Val (NM_001349637.2); c.506C>T, p.Ala169Val (NM_001349638.2); c.266C>T, p.Ala89Val (NM_001349639.2); short protein forms A375V, A169V, A89V, A326V, A468V.
Identifiers: ClinVar variation 2342381 (VCV002342381.4), dbSNP rs200106693, ClinGen allele CA4794627.